The following is an entry in ClinVar:

ClinVar aggregate classification (germline): Uncertain significance (1 of 4 stars; one submission).

Submission:

GeneDx
Classification: Uncertain significance. Last evaluated: 2025-08-25. Review status: criteria provided, single submitter. Criteria: GeneDx Variant Classification Process June 2021. Collection method: clinical testing. Allele origin: germline. Affected: yes.
Comment: Not observed at significant frequency in large population cohorts (gnomAD); Canonical splice site variant in a gene or region of a gene for which loss of function is not a well-established mechanism of disease; Has not been previously published as pathogenic or benign to our knowledge

NM_000937.5(POLR2A):c.1460+1G>A

Gene: POLR2A (RNA polymerase II subunit A; plus strand). Cytogenetic location: 17p13.1.
Variant type: single nucleotide variant.
Coding change: c.1460+1G>A on transcript NM_000937.5 (MANE Select); the canonical splice donor site of the intron after coding-DNA position 1460, G replaced by A.
Molecular consequence: splice donor variant.
Genome position (GRCh38, 1-based): chr17:7,499,164, G>A. VCF-style: chr17-7499164-G-A. GRCh37 (hg19) VCF-style: chr17-7402483-G-A.
Identifiers: ClinVar variation 4812924 (VCV004812924.1).